The following is an entry in ClinVar:

ClinVar aggregate classification (germline): Uncertain significance (1 of 4 stars; one submission).

Conditions:
Familial thoracic aortic aneurysm and aortic dissection (TAAD). Also called: Thoracic aortic aneurysms and dissections. Identifiers: Orphanet 91387, MedGen C4707243, MONDO:0019625.

Submission:

Labcorp Genetics (formerly Invitae), Labcorp
Classification: Uncertain significance for Familial thoracic aortic aneurysm and aortic dissection. Last evaluated: 2025-05-07. Review status: criteria provided, single submitter. Criteria: Invitae Variant Classification Sherloc (09022015). Collection method: clinical testing. Allele origin: germline.
Comment: This sequence change replaces glycine, which is neutral and non-polar, with valine, which is neutral and non-polar, at codon 177 of the TGFBR2 protein (p.Gly177Val). This variant is not present in population databases (gnomAD no frequency). This variant has not been reported in the literature in individuals affected with TGFBR2-related conditions. ClinVar contains an entry for this variant (Variation ID: 3635614). Invitae Evidence Modeling of protein sequence and biophysical properties (such as structural, functional, and spatial information, amino acid conservation, physicochemical variation, residue mobility, and thermodynamic stability) indicates that this missense variant is not expected to disrupt TGFBR2 protein function with a negative predictive value of 95%. In summary, the available evidence is currently insufficient to determine the role of this variant in disease. Therefore, it has been classified as a Variant of Uncertain Significance.

NM_003242.6(TGFBR2):c.530G>T (p.Gly177Val)

Gene: TGFBR2 (transforming growth factor beta receptor 2; plus strand). Cytogenetic location: 3p24.1.
Variant type: single nucleotide variant.
Coding change: c.530G>T on transcript NM_003242.6 (MANE Select); coding-DNA position 530, G replaced by T.
Protein change: p.Gly177Val; replaces glycine 177 with valine.
Molecular consequence: missense variant. On other transcripts: intron variant (1).
Genome position (GRCh38, 1-based): chr3:30,671,713, G>T. VCF-style: chr3-30671713-G-T. GRCh37 (hg19) VCF-style: chr3-30713205-G-T.
Other names: c.605G>T, p.Gly202Val (NM_001024847.3); c.713G>T, p.Gly238Val (NM_001407126.1); c.638G>T, p.Gly213Val (NM_001407127.1); c.557G>T, p.Gly186Val (NM_001407128.1); c.533G>T, p.Gly178Val (NM_001407129.1); c.530G>T, p.Gly177Val (NM_001407130.1); c.425G>T, p.Gly142Val (NM_001407132.1, NM_001407133.1, NM_001407134.1 and 2 more transcripts); c.245G>T, p.Gly82Val (NM_001407137.1); and 2 more; short protein forms G186V, G177V, G178V, G202V, G238V, G57V, G142V, G213V.
Identifiers: ClinVar variation 3635614 (VCV003635614.2).